The following is an entry in ClinVar:

NM_000059.4(BRCA2):c.8332-2823_8332-2822insGATGGCTTG

Gene: BRCA2 (BRCA2 DNA repair associated; plus strand). Cytogenetic location: 13q13.1.
Variant type: Insertion.
Coding change: c.8332-2823_8332-2822insGATGGCTTG on transcript NM_000059.4 (MANE Select); 2823 bases into the intron before coding-DNA position 8332 through 2822 bases into the intron before coding-DNA position 8332, GATGGCTTG inserted.
Molecular consequence: intron variant.
Genome position: GRCh38 VCF-style: chr13-32367579-A-AGATGGCTTG. GRCh37 (hg19) VCF-style: chr13-32941716-A-AGATGGCTTG.
Other names: IVS 18-2823insGATGGCTTG.
Identifiers: ClinVar variation 209798 (VCV000209798.1), dbSNP rs61340698, ClinGen allele CA276766.

ClinVar aggregate classification (germline): Benign (3 of 4 stars; one submission).

Conditions:
Breast-ovarian cancer, familial, susceptibility to, 2 (BROVCA2). Also called: BRCA2 Hereditary Breast and Ovarian Cancer. Identifiers: Orphanet 145, MedGen C2675520, MONDO:0012933, OMIM 612555. Disease mechanism: loss of function.

Allele frequency attached by ClinVar (database versions not stated): 1000 Genomes Project 30x 0.51437; TOPMed 0.51492; 1000 Genomes Project 0.51777; gnomAD 0.51867 and 0.52128.

Submission:

Evidence-based Network for the Interpretation of Germline Mutant Alleles (ENIGMA)
Classification: Benign for Breast-ovarian cancer, familial 2. Last evaluated: 2015-01-12. Review status: reviewed by expert panel. Criteria: ENIGMA BRCA1/2 Classification Criteria (2015). Collection method: curation. Allele origin: germline.
Comment: Class 1 not pathogenic based on frequency >1% in an outbred sampleset. Frequency 0.51 (Asian), 0.44 (African), 0.5 (European), derived from 1000 genomes (2012-04-30).